The following is an entry in ClinVar:

NM_000784.4(CYP27A1):c.917A>G (p.Gln306Arg)

Gene: CYP27A1 (cytochrome P450 family 27 subfamily A member 1; plus strand). Cytogenetic location: 2q35.
Variant type: single nucleotide variant.
Coding change: c.917A>G on transcript NM_000784.4 (MANE Select); coding-DNA position 917, A replaced by G.
Protein change: p.Gln306Arg; replaces glutamine 306 with arginine.
Molecular consequence: missense variant.
Genome position (GRCh38, 1-based): chr2:218,812,996, A>G. VCF-style: chr2-218812996-A-G. GRCh37 (hg19) VCF-style: chr2-219677719-A-G.
Other names: c.917A>G (NM_000784.3); short protein forms Q306R.
Identifiers: ClinVar variation 1956203 (VCV001956203.3), dbSNP rs755841702, ClinGen allele CA2112757.

ClinVar aggregate classification (germline): Uncertain significance. Review status: criteria provided, multiple submitters, no conflicts (2 of 4 stars). 2 submissions from 2 submitters: Uncertain significance (2). Last evaluated 2025-09-19.

Conditions:
CYP27A1-related disorder. Also called: CYP27A1-related condition.
Cholestanol storage disease (CTX). Also called: Cerebrotendinous Xanthomatosis; CEREBRAL CHOLESTERINOSIS; CTX: Cerebrotendinous xanthomatosis. Identifiers: Orphanet 909, MedGen C0238052, MONDO:0008948, OMIM 213700.

Allele frequency attached by ClinVar (database versions not stated): gnomAD exomes below 0.00001; TOPMed below 0.00001; ExAC 0.00001; gnomAD 0.00001.
gnomAD v4.1: 2 of 1,614,114 alleles (0.00012%); highest among the groups gnomAD compares: Admixed American, 0.0017%; no homozygotes.

Submissions (2):

PreventionGenetics, part of Exact Sciences
Classification: Uncertain significance for CYP27A1-related condition. Last evaluated: 2025-09-19. Review status: criteria provided, single submitter. Criteria: ACMG Guidelines, 2015. Collection method: clinical testing. Allele origin: germline.
Comment: The CYP27A1 c.917A>G variant is predicted to result in the amino acid substitution p.Gln306Arg. To our knowledge, this variant has not been reported in the literature. This variant is reported in 0.0029% of alleles in individuals of Latino descent in gnomAD. At this time, the clinical significance of this variant is uncertain due to the absence of conclusive functional and genetic evidence.

Labcorp Genetics (formerly Invitae), Labcorp
Classification: Uncertain significance for Cholestanol storage disease. Last evaluated: 2022-08-22. Review status: criteria provided, single submitter. Criteria: Invitae Variant Classification Sherloc (09022015). Collection method: clinical testing. Allele origin: germline.
Comment: This sequence change replaces glutamine, which is neutral and polar, with arginine, which is basic and polar, at codon 306 of the CYP27A1 protein (p.Gln306Arg). This variant is present in population databases (rs755841702, gnomAD 0.003%). This variant has not been reported in the literature in individuals affected with CYP27A1-related conditions. Advanced modeling of protein sequence and biophysical properties (such as structural, functional, and spatial information, amino acid conservation, physicochemical variation, residue mobility, and thermodynamic stability) performed at Invitae indicates that this missense variant is not expected to disrupt CYP27A1 protein function. In summary, the available evidence is currently insufficient to determine the role of this variant in disease. Therefore, it has been classified as a Variant of Uncertain Significance.